The following is an entry in ClinVar:

NM_016529.6(ATP8A2):c.942C>T (p.Asn314=)

Gene: ATP8A2 (ATPase phospholipid transporting 8A2). Cytogenetic location: 13q12.13.
Variant type: single nucleotide variant.
Coding change: c.942C>T on transcript NM_016529.6 (MANE Select); coding-DNA position 942, C replaced by T.
Protein change: p.Asn314=; no amino-acid change (asparagine 314 retained).
Molecular consequence: synonymous variant.
Genome position (GRCh38, 1-based): chr13:25,551,388, C>T. VCF-style: chr13-25551388-C-T. GRCh37 (hg19) VCF-style: chr13-26125526-C-T.
Other names: c.822C>T, p.Asn274= (NM_001313741.1).
Identifiers: ClinVar variation 1606676 (VCV001606676.32), dbSNP rs769066168, ClinGen allele CA6922753.

ClinVar aggregate classification (germline): Likely benign. Review status: criteria provided, multiple submitters, no conflicts (2 of 4 stars). 2 submissions from 2 submitters: Likely benign (2). Last evaluated 2024-10-08.

Allele frequency attached by ClinVar (database versions not stated): gnomAD exomes 0.00010 and 0.00006; ExAC 0.00004; gnomAD 0.00005 and 0.00006; TOPMed 0.00005.

Submissions (2):

Labcorp Genetics (formerly Invitae), Labcorp
Classification: Likely benign. Last evaluated: 2024-10-08. Review status: criteria provided, single submitter. Criteria: Invitae Variant Classification Sherloc (09022015). Collection method: clinical testing. Allele origin: germline.

CeGaT Center for Human Genetics Tuebingen
Classification: Likely benign. Last evaluated: 2022-08-01. Review status: criteria provided, single submitter. Criteria: CeGaT Center For Human Genetics Tuebingen Variant Classification Criteria Version 2. Collection method: clinical testing. Allele origin: germline. Affected: yes. Observed: 1 variant allele.
Comment: ATP8A2: BP4, BP7